The following is an entry in ClinVar:

NM_001378454.1(ALMS1):c.2248G>T (p.Ala750Ser)

Gene: ALMS1 (ALMS1 centrosome and basal body associated protein; plus strand). Cytogenetic location: 2p13.1.
Variant type: single nucleotide variant.
Coding change: c.2248G>T on transcript NM_001378454.1 (MANE Select); coding-DNA position 2248, G replaced by T.
Protein change: p.Ala750Ser; replaces alanine 750 with serine.
Molecular consequence: missense variant.
Genome position (GRCh38, 1-based): chr2:73,448,775, G>T. VCF-style: chr2-73448775-G-T. GRCh37 (hg19) VCF-style: chr2-73675902-G-T.
Other names: c.2251G>T, p.Ala751Ser (NM_015120.4); short protein forms A750S, A751S.
Identifiers: ClinVar variation 2834292 (VCV002834292.3), dbSNP rs2466094034, ClinGen allele CA347267377.

ClinVar aggregate classification (germline): Uncertain significance (1 of 4 stars; one submission).

Conditions:
Alstrom syndrome (ALMS). Identifiers: Orphanet 64, MedGen C0268425, MONDO:0008763, OMIM 203800.

Submission:

Labcorp Genetics (formerly Invitae), Labcorp
Classification: Uncertain significance for Alstrom syndrome. Last evaluated: 2024-12-09. Review status: criteria provided, single submitter. Criteria: Invitae Variant Classification Sherloc (09022015). Collection method: clinical testing. Allele origin: germline.
Comment: This sequence change replaces alanine, which is neutral and non-polar, with serine, which is neutral and polar, at codon 751 of the ALMS1 protein (p.Ala751Ser). This variant is not present in population databases (gnomAD no frequency). This variant has not been reported in the literature in individuals affected with ALMS1-related conditions. ClinVar contains an entry for this variant (Variation ID: 2834292). Experimental studies and prediction algorithms are not available or were not evaluated, and the functional significance of this variant is currently unknown. In summary, the available evidence is currently insufficient to determine the role of this variant in disease. Therefore, it has been classified as a Variant of Uncertain Significance.